The following is an entry in ClinVar:

ClinVar aggregate classification (germline): Likely pathogenic (1 of 4 stars; one submission).

Submission:

Labcorp Genetics (formerly Invitae), Labcorp
Classification: Likely pathogenic. Last evaluated: 2024-09-16. Review status: criteria provided, single submitter. Criteria: Invitae Variant Classification Sherloc (09022015). Collection method: clinical testing. Allele origin: germline.
Comment: This sequence change affects an acceptor splice site in intron 33 of the ABCA4 gene. It is expected to disrupt RNA splicing. Variants that disrupt the donor or acceptor splice site typically lead to a loss of protein function (PMID: 16199547), and loss-of-function variants in ABCA4 are known to be pathogenic (PMID: 10958761, 24938718, 25312043, 26780318). This variant is not present in population databases (gnomAD no frequency). Disruption of this splice site has been observed in individual(s) with clinical features of ABCA4-related conditions (PMID: 10634594, 31934596; internal data). Algorithms developed to predict the effect of sequence changes on RNA splicing suggest that this variant may disrupt the consensus splice site. In summary, the currently available evidence indicates that the variant is pathogenic, but additional data are needed to prove that conclusively. Therefore, this variant has been classified as Likely Pathogenic.

Literature cited by the submitters: PubMed 16199547; PubMed 10958761; PubMed 24938718; PubMed 25312043; PubMed 26780318; PubMed 10634594; PubMed 31934596.

NM_000350.3(ABCA4):c.4774-1G>C

Genes: ABCA4 (ATP binding cassette subfamily A member 4; minus strand), LOC126805793 (CDK7 strongly-dependent group 2 enhancer GRCh37_chr1:94486302-94487501; plus strand). Cytogenetic location: 1p22.1.
Variant type: single nucleotide variant.
Coding change: c.4774-1G>C on transcript NM_000350.3 (MANE Select); the canonical splice acceptor site of the intron before coding-DNA position 4774, G replaced by C.
Molecular consequence: splice acceptor variant.
Genome position (GRCh38, 1-based): chr1:94,021,715, C>G on the plus strand (G>C on the coding strand, the complement: ABCA4 is on the minus strand). VCF-style: chr1-94021715-C-G. GRCh37 (hg19) VCF-style: chr1-94487271-C-G.
Other names: c.4552-1G>C (NM_001425324.1).
Identifiers: ClinVar variation 3717594 (VCV003717594.2).